The following is an entry in ClinVar:

ClinVar aggregate classification (germline): Uncertain significance (1 of 4 stars; one submission).

Conditions:
Cardiovascular phenotype. Identifiers: MedGen CN230736.

gnomAD v4.1: 2 of 1,613,546 alleles (0.00012%); highest among the groups gnomAD compares: Admixed American, 0.0017%; no homozygotes.

Submission:

Ambry Genetics
Classification: Uncertain significance for Cardiovascular phenotype. Last evaluated: 2024-05-02. Review status: criteria provided, single submitter. Criteria: Ambry Variant Classification Scheme 2023. Collection method: clinical testing. Allele origin: germline.
Comment: The p.M950T variant (also known as c.2849T>C), located in coding exon 23 of the ABCC9 gene, results from a T to C substitution at nucleotide position 2849. The methionine at codon 950 is replaced by threonine, an amino acid with similar properties. This amino acid position is not well conserved in available vertebrate species. In addition, this alteration is predicted to be tolerated by in silico analysis. Based on the available evidence, the clinical significance of this variant remains unclear.

NM_020297.4(ABCC9):c.2849T>C (p.Met950Thr)

Gene: ABCC9 (ATP binding cassette subfamily C member 9; minus strand). Cytogenetic location: 12p12.1.
Variant type: single nucleotide variant.
Coding change: c.2849T>C on transcript NM_020297.4 (MANE Select); coding-DNA position 2849, T replaced by C.
Protein change: p.Met950Thr; replaces methionine 950 with threonine.
Molecular consequence: missense variant.
Genome position (GRCh38, 1-based): chr12:21,848,167, A>G on the plus strand (T>C on the coding strand, the complement: ABCC9 is on the minus strand). VCF-style: chr12-21848167-A-G. GRCh37 (hg19) VCF-style: chr12-22001101-A-G.
Other names: c.2849T>C, p.Met950Thr (NM_001377273.1, NM_005691.4); c.1982T>C, p.Met661Thr (NM_001377274.1); short protein forms M950T, M661T.
Identifiers: ClinVar variation 3305489 (VCV003305489.1).